The following is an entry in ClinVar:

ClinVar aggregate classification (germline): Uncertain significance (1 of 4 stars; one submission).

Submission:

CeGaT Center for Human Genetics Tuebingen
Classification: Uncertain significance. Last evaluated: 2025-11-01. Review status: criteria provided, single submitter. Criteria: CeGaT Center For Human Genetics Tuebingen Variant Classification Criteria Version 2. Collection method: clinical testing. Allele origin: germline. Affected: yes. Observed: 1 variant allele.
Comment: ACTB: PM2, PP2, PP3

NM_001101.5(ACTB):c.788A>C (p.Gln263Pro)

Gene: ACTB (actin beta; minus strand). Cytogenetic location: 7p22.1.
Variant type: single nucleotide variant.
Coding change: c.788A>C on transcript NM_001101.5 (MANE Select); coding-DNA position 788, A replaced by C.
Protein change: p.Gln263Pro; replaces glutamine 263 with proline.
Molecular consequence: missense variant.
Genome position (GRCh38, 1-based): chr7:5,528,295, T>G on the plus strand (A>C on the coding strand, the complement: ACTB is on the minus strand). VCF-style: chr7-5528295-T-G. GRCh37 (hg19) VCF-style: chr7-5567926-T-G.
Other names: short protein forms Q263P.
Identifiers: ClinVar variation 4533743 (VCV004533743.6).